The following is an entry in ClinVar:

ClinVar aggregate classification (germline): Uncertain significance (1 of 4 stars; one submission).

Conditions:
Familial hemophagocytic lymphohistiocytosis 2 (FHL2). Also called: PRF1-Related Familial Hemophagocytic Lymphohistiocytosis (PRF1-fHLH). Identifiers: Orphanet 540, MedGen C1863727, MONDO:0011337, OMIM 603553.

Allele frequency attached by ClinVar (database versions not stated): gnomAD exomes below 0.00001.

Submission:

Labcorp Genetics (formerly Invitae), Labcorp
Classification: Uncertain significance for Familial hemophagocytic lymphohistiocytosis 2. Last evaluated: 2021-08-27. Review status: criteria provided, single submitter. Criteria: Invitae Variant Classification Sherloc (09022015). Collection method: clinical testing. Allele origin: germline.
Comment: This sequence change replaces proline with histidine at codon 18 of the PRF1 protein (p.Pro18His). The proline residue is highly conserved and there is a moderate physicochemical difference between proline and histidine. This variant is not present in population databases (ExAC no frequency). This variant has not been reported in the literature in individuals affected with PRF1-related conditions. Algorithms developed to predict the effect of missense changes on protein structure and function are either unavailable or do not agree on the potential impact of this missense change (SIFT: "Deleterious"; PolyPhen-2: "Possibly Damaging"; Align-GVGD: "Class C0"). In summary, the available evidence is currently insufficient to determine the role of this variant in disease. Therefore, it has been classified as a Variant of Uncertain Significance.

NM_001083116.3(PRF1):c.53C>A (p.Pro18His)

Gene: PRF1 (perforin 1; minus strand). Cytogenetic location: 10q22.1.
Variant type: single nucleotide variant.
Coding change: c.53C>A on transcript NM_001083116.3 (MANE Select); coding-DNA position 53, C replaced by A.
Protein change: p.Pro18His; replaces proline 18 with histidine.
Molecular consequence: missense variant.
Genome position (GRCh38, 1-based): chr10:70,600,850, G>T on the plus strand (C>A on the coding strand, the complement: PRF1 is on the minus strand). VCF-style: chr10-70600850-G-T. GRCh37 (hg19) VCF-style: chr10-72360606-G-T.
Other names: c.53C>A, p.Pro18His (NM_005041.6); short protein forms P18H.
Identifiers: ClinVar variation 652591 (VCV000652591.6), dbSNP rs1357790767, ClinGen allele CA376960189.